The following is an entry in ClinVar:

ClinVar aggregate classification (germline): Pathogenic (1 of 4 stars; one submission).

Conditions:
Asphyxiating thoracic dystrophy 3. Also called: SHORT-RIB THORACIC DYSPLASIA 3 WITH OR WITHOUT POLYDACTYLY; POLYDACTYLY WITH NEONATAL CHONDRODYSTROPHY, TYPE I; SHORT-RIB THORACIC DYSPLASIA 3/6 WITH POLYDACTYLY, DIGENIC; Short rib polydactyly syndrome 2B; Saldino-Noonan Syndrome. Identifiers: Orphanet 474, Orphanet 93269, Orphanet 93270, Orphanet 93271, MedGen C0036069, MONDO:0013127, OMIM 613091.

Submission:

Myriad Genetics, Inc.
Classification: Pathogenic for Asphyxiating thoracic dystrophy 3. Last evaluated: 2026-04-29. Review status: criteria provided, single submitter. Criteria: Myriad Autosomal Dominant, Autosomal Recessive and X-Linked Classification Criteria (2023). Collection method: clinical testing. Allele origin: unknown.
Comment: NM_001377.2(DYNC2H1):c.9517_9518delGA(E3173Sfs*4) is expected to be pathogenic in the context of DYNC2H1-related disorders. This variant is predicted to lead to an abnormal or absent protein product due to the creation of a premature termination codon in DYNC2H1, a gene where loss-of-function variants are known to be pathogenic. Please note: this variant was assessed in the context of healthy population screening.

NM_001377.3(DYNC2H1):c.9517_9518del (p.Glu3173fs)

Gene: DYNC2H1 (dynein cytoplasmic 2 heavy chain 1; plus strand). Cytogenetic location: 11q22.3.
Variant type: Deletion.
Coding change: c.9517_9518del on transcript NM_001377.3 (MANE Select); coding-DNA positions 9517 to 9518, 2 bases deleted (GA; older notation c.9517_9518delGA).
Protein change: p.Glu3173fs; shifts the reading frame from glutamic acid 3173.
Molecular consequence: frameshift variant.
Genome position (GRCh38, 1-based): chr11:103,234,110-103,234,111, GA deleted; deleting any 2 consecutive bases within chr11:103,234,109-103,234,111 gives the same sequence; the c. name uses the placement nearest the transcript's 3' end. VCF-style (leftmost placement, unchanged base first): chr11-103234108-CAG-C. GRCh37 (hg19) VCF-style: chr11-103104837-CAG-C.
Other names: c.9517_9518del, p.Glu3173fs (NM_001080463.2); short protein forms E3173fs.
Identifiers: ClinVar variation 5015841 (VCV005015841.1).